The following is an entry in ClinVar:

ClinVar aggregate classification (germline): Likely benign (1 of 4 stars; one submission).

Submission:

CeGaT Center for Human Genetics Tuebingen
Classification: Likely benign. Last evaluated: 2024-01-01. Review status: criteria provided, single submitter. Criteria: CeGaT Center For Human Genetics Tuebingen Variant Classification Criteria Version 2. Collection method: clinical testing. Allele origin: germline. Affected: yes. Observed: 1 variant allele.
Comment: RIMS1: PM2:Supporting, BP4, BP7

NM_014989.7(RIMS1):c.2659C>A (p.Arg887=)

Gene: RIMS1 (regulating synaptic membrane exocytosis 1; plus strand). Cytogenetic location: 6q13.
Variant type: single nucleotide variant.
Coding change: c.2659C>A on transcript NM_014989.7 (MANE Select); coding-DNA position 2659, C replaced by A.
Protein change: p.Arg887=; no amino-acid change (arginine 887 retained).
Molecular consequence: synonymous variant.
Genome position (GRCh38, 1-based): chr6:72,251,329, C>A. VCF-style: chr6-72251329-C-A. GRCh37 (hg19) VCF-style: chr6-72961032-C-A.
Other names: c.838C>A, p.Arg280= (NM_001168409.2, NM_001350461.2, NM_001350463.2 and 6 more transcripts); c.1036C>A, p.Arg346= (NM_001168410.2, NM_001350470.2, NM_001350472.2 and 2 more transcripts); c.1081C>A, p.Arg361= (NM_001350414.2, NM_001350415.2, NM_001350416.2 and 37 more transcripts); c.1012C>A, p.Arg338= (NM_001350421.2, NM_001350424.2, NM_001350428.2 and 6 more transcripts).
Identifiers: ClinVar variation 3026953 (VCV003026953.22), dbSNP rs760443753, ClinGen allele CA450995260.